The following is an entry in ClinVar:

ClinVar aggregate classification (germline): Conflicting classifications of pathogenicity. Review status: criteria provided, conflicting classifications (1 of 4 stars). 2 submissions from 2 submitters: Uncertain significance (1); Likely benign (1). Last evaluated 2023-03-23.

Conditions:
Hereditary cancer-predisposing syndrome. Also called: Hereditary neoplastic syndrome; Neoplastic Syndromes, Hereditary; Hereditary Cancer Syndrome; Tumor predisposition. Identifiers: Orphanet 140162, MedGen C0027672, MeSH D009386, MONDO:0015356.
Hereditary breast ovarian cancer syndrome. Also called: BRCA1- and BRCA2-Associated Hereditary Breast and Ovarian Cancer; Hereditary breast and ovarian cancer syndrome (HBOC); Hereditary breast and/or ovarian cancer syndrome; Hereditary breast and ovarian cancer syndrome; Hereditary breast and ovarian cancer; Breast and ovarian cancer. Identifiers: Orphanet 145, MedGen C0677776, MeSH D061325, MONDO:0003582. Disease mechanism: loss of function.

Submissions (2):

University of Washington Department of Laboratory Medicine, University of Washington
Classification: Likely benign for Hereditary cancer-predisposing syndrome. Last evaluated: 2023-03-23. Review status: criteria provided, single submitter. Criteria: Dines et al. (Genet Med. 2020). Collection method: curation. Allele origin: germline.
Comment: Missense variant in a coldspot region where missense variants are very unlikely to be pathogenic (PMID:31911673).

BRCA2 exon 11 coldspot. Reclassification based on statistical prior probability.

Labcorp Genetics (formerly Invitae), Labcorp
Classification: Uncertain significance for Hereditary breast ovarian cancer syndrome. Last evaluated: 2022-09-06. Review status: criteria provided, single submitter. Criteria: Invitae Variant Classification Sherloc (09022015). Collection method: clinical testing. Allele origin: germline.
Comment: In summary, the available evidence is currently insufficient to determine the role of this variant in disease. Therefore, it has been classified as a Variant of Uncertain Significance. This sequence change replaces glutamic acid, which is acidic and polar, with glutamine, which is neutral and polar, at codon 2258 of the BRCA2 protein (p.Glu2258Gln). This variant is not present in population databases (gnomAD no frequency). This variant has not been reported in the literature in individuals affected with BRCA2-related conditions. Advanced modeling of protein sequence and biophysical properties (such as structural, functional, and spatial information, amino acid conservation, physicochemical variation, residue mobility, and thermodynamic stability) performed at Invitae indicates that this missense variant is not expected to disrupt BRCA2 protein function.

NM_000059.4(BRCA2):c.6772G>C (p.Glu2258Gln)

Gene: BRCA2 (BRCA2 DNA repair associated; plus strand). Cytogenetic location: 13q13.1.
Variant type: single nucleotide variant.
Coding change: c.6772G>C on transcript NM_000059.4 (MANE Select); coding-DNA position 6772, G replaced by C.
Protein change: p.Glu2258Gln; replaces glutamic acid 2258 with glutamine.
Molecular consequence: missense variant.
Genome position (GRCh38, 1-based): chr13:32,341,127, G>C. VCF-style: chr13-32341127-G-C. GRCh37 (hg19) VCF-style: chr13-32915264-G-C.
Other names: c.6772G>C, p.Glu2258Gln (NM_001406719.1, NM_001406720.1); short protein forms E2258Q.
Identifiers: ClinVar variation 1718886 (VCV001718886.7), dbSNP rs730881549, ClinGen allele CA387791223.
Genomic context (GRCh38, chr13:32,341,127, plus strand): 5'-GATGAACTGACAGATTCTAAACTGCCAAGTCATGCCACACATTCTCTTTTTACATGTCCC[G>C]AAAATGAGGAAATGGTTTTGTCAAATTCAAGAATTGGAAAAAGAAGAGGAGAGCCCCTTA-3'
Protein context (NP_000050.3, residues 2248-2268): HATHSLFTCP[Glu2258Gln]NEEMVLSNSR